The following is an entry in ClinVar:

NM_001042492.3(NF1):c.8C>G (p.Ala3Gly)

Genes: MIR4733HG (MIR4733 host gene; minus strand), NF1 (neurofibromin 1; plus strand), LOC111811965 (NF1 (neurofibromin 1) promoter region; plus strand). Cytogenetic location: 17q11.2.
Variant type: single nucleotide variant.
Coding change: c.8C>G on transcript NM_001042492.3 (MANE Select); coding-DNA position 8, C replaced by G.
Protein change: p.Ala3Gly; replaces alanine 3 with glycine.
Molecular consequence: missense variant. On other transcripts: non-coding transcript variant (1).
Genome position (GRCh38, 1-based): chr17:31,095,317, C>G. VCF-style: chr17-31095317-C-G. GRCh37 (hg19) VCF-style: chr17-29422335-C-G.
Other names: c.8C>G, p.Ala3Gly (NM_000267.4, NM_001128147.3); short protein forms A3G.
Identifiers: ClinVar variation 1037115 (VCV001037115.5), dbSNP rs1911550821, ClinGen allele CA398979179.

ClinVar aggregate classification (germline): Uncertain significance (1 of 4 stars; one submission).

Conditions:
Neurofibromatosis, type 1 (NF1). Also called: NEUROFIBROMATOSIS, TYPE I, SOMATIC; VON RECKLINGHAUSEN DISEASE; Peripheral type neurofibromatosis; Neurofibromatosis, type I. Identifiers: Orphanet 636, MedGen C0027831, MONDO:0018975, OMIM 162200. Disease mechanism: loss of function.

Submission:

Labcorp Genetics (formerly Invitae), Labcorp
Classification: Uncertain significance for Neurofibromatosis, type 1. Last evaluated: 2017-12-31. Review status: criteria provided, single submitter. Criteria: Invitae Variant Classification Sherloc (09022015). Collection method: clinical testing. Allele origin: germline.
Comment: In summary, the available evidence is currently insufficient to determine the role of this variant in disease. Therefore, it has been classified as a Variant of Uncertain Significance. Algorithms developed to predict the effect of missense changes on protein structure and function do not agree on the potential impact of this missense change (SIFT: "Tolerated"; PolyPhen-2: "Probably Damaging"; Align-GVGD: "Class C0"). This variant has not been reported in the literature in individuals with NF1-related disease. While this variant is not present in population databases, the frequency information is unreliable, as metrics indicate poor data quality at this position in the ExAC database. This sequence change replaces alanine with glycine at codon 3 of the NF1 protein (p.Ala3Gly). The alanine residue is weakly conserved and there is a small physicochemical difference between alanine and glycine.